The following is an entry in ClinVar:

NM_004793.4(LONP1):c.35del (p.Gly12fs)

Gene: LONP1 (lon peptidase 1, mitochondrial; minus strand). Cytogenetic location: 19p13.3.
Variant type: Deletion.
Coding change: c.35del on transcript NM_004793.4 (MANE Select); coding-DNA position 35, one base deleted (G; older notation c.35delG).
Protein change: p.Gly12fs; shifts the reading frame from glycine 12.
Molecular consequence: frameshift variant. On other transcripts: non-coding transcript variant (1), intron variant (1).
Genome position (GRCh38, 1-based): chr19:5,720,098, C deleted on the plus strand (G on the coding strand, the reverse complement: LONP1 is on the minus strand); the first of 4 consecutive C bases (chr19:5,720,098-5,720,101); deleting any one gives the same sequence. VCF-style (leftmost placement, unchanged base first): chr19-5720097-TC-T. GRCh37 (hg19) VCF-style: chr19-5720108-TC-T.
Other names: c.35del, p.Gly12fs (NM_001276479.2); c.-160+121del (NM_001276480.1); short protein forms G12fs.
Identifiers: ClinVar variation 4993693 (VCV004993693.1).

ClinVar aggregate classification (germline): Likely pathogenic (1 of 4 stars; one submission).

Conditions:
LONP1-related disorder. Also called: LONP1-related disorders; LONP1-related condition.

Submission:

PreventionGenetics, part of Exact Sciences
Classification: Likely pathogenic for LONP1-related condition. Last evaluated: 2026-07-28. Review status: criteria provided, single submitter. Criteria: ACMG Guidelines, 2015. Collection method: clinical testing. Allele origin: germline.
Comment: The LONP1 c.35delG variant is predicted to result in a frameshift and premature protein termination (p.Gly12Glufs*98). To our knowledge, this variant has not been reported in the literature or in a large population database (gnomAD), indicating this variant is rare. Frameshift variants in LONP1 are expected to be pathogenic. This variant is interpreted as likely pathogenic.